The following is an entry in ClinVar:

ClinVar aggregate classification (germline): Uncertain significance (1 of 4 stars; one submission).

Conditions:
Neuropathy, hereditary sensory and autonomic, type 2A (HSAN2A). Also called: ACROOSTEOLYSIS, GIACCAI TYPE; ACROOSTEOLYSIS, NEUROGENIC; MORVAN DISEASE; NEUROPATHY, CONGENITAL SENSORY; NEUROPATHY, HEREDITARY SENSORY RADICULAR, AUTOSOMAL RECESSIVE; NEUROPATHY, HEREDITARY SENSORY, TYPE IIA. Identifiers: Orphanet 970, MedGen C2752089, MONDO:0024309, OMIM 201300.
Pseudohypoaldosteronism type 2C (PHA2C). Also called: Pseudohypoaldosteronism Type IIC. Identifiers: Orphanet 757, Orphanet 88940, MedGen C1840391, MONDO:0013778, OMIM 614492.

Submission:

Labcorp Genetics (formerly Invitae), Labcorp
Classification: Uncertain significance for Neuropathy, hereditary sensory and autonomic, type 2A; Pseudohypoaldosteronism type 2C. Last evaluated: 2023-05-23. Review status: criteria provided, single submitter. Criteria: Invitae Variant Classification Sherloc (09022015). Collection method: clinical testing. Allele origin: germline.
Comment: In summary, the available evidence is currently insufficient to determine the role of this variant in disease. Therefore, it has been classified as a Variant of Uncertain Significance. Algorithms developed to predict the effect of sequence changes on RNA splicing suggest that this variant may create or strengthen a splice site. Advanced modeling of protein sequence and biophysical properties (such as structural, functional, and spatial information, amino acid conservation, physicochemical variation, residue mobility, and thermodynamic stability) performed at Invitae indicates that this missense variant is not expected to disrupt WNK1 protein function. This variant has not been reported in the literature in individuals affected with WNK1-related conditions. This variant is not present in population databases (gnomAD no frequency). This sequence change replaces threonine, which is neutral and polar, with proline, which is neutral and non-polar, at codon 619 of the WNK1 protein (p.Thr619Pro).

NM_018979.4(WNK1):c.1855A>C (p.Thr619Pro)

Gene: WNK1 (WNK lysine deficient protein kinase 1; plus strand). Cytogenetic location: 12p13.33.
Variant type: single nucleotide variant.
Coding change: c.1855A>C on transcript NM_018979.4 (MANE Select); coding-DNA position 1855, A replaced by C.
Protein change: p.Thr619Pro; replaces threonine 619 with proline.
Molecular consequence: missense variant.
Genome position (GRCh38, 1-based): chr12:861,247, A>C. VCF-style: chr12-861247-A-C. GRCh37 (hg19) VCF-style: chr12-970413-A-C.
Other names: c.1855A>C, p.Thr619Pro (NM_001184985.2, NM_014823.3, NM_213655.5); short protein forms T619P.
Identifiers: ClinVar variation 2936431 (VCV002936431.3), dbSNP rs149388376, ClinGen allele CA383335544.